The following is an entry in ClinVar:

NM_001032283.3(TMPO):c.565+1384A>G

Gene: TMPO (thymopoietin; plus strand). Cytogenetic location: 12q23.1.
Variant type: single nucleotide variant.
Coding change: c.565+1384A>G on transcript NM_001032283.3 (MANE Select); 1384 bases into the intron after coding-DNA position 565, A replaced by G.
Molecular consequence: intron variant. On other transcripts: missense variant (1).
Genome position (GRCh38, 1-based): chr12:98,533,222, A>G. VCF-style: chr12-98533222-A-G. GRCh37 (hg19) VCF-style: chr12-98927000-A-G.
Other names: c.965A>G, p.Tyr322Cys (NM_003276.2); c.565+1384A>G (NM_001307975.2, NM_001032284.3); short protein forms Y322C.
Identifiers: ClinVar variation 1013677 (VCV001013677.10), dbSNP rs766401550, ClinGen allele CA6732325.

ClinVar aggregate classification (germline): Uncertain significance. Review status: criteria provided, multiple submitters, no conflicts (2 of 4 stars). 2 submissions from 2 submitters: Uncertain significance (2). Last evaluated 2023-10-19.

Conditions:
Loeys-Dietz syndrome 2 (LDS2). Also called: Marfan syndrome, type 2 (formerly); TGFBR2-Related Loeys-Dietz Syndrome; AORTIC ANEURYSM, FAMILIAL THORACIC 3; MARFAN SYNDROME, TYPE II; Marfan like connective tissue disorder; MFS 2. Identifiers: Orphanet 284973, Orphanet 558, MedGen C2674574, MONDO:0012427, OMIM 610168.

Allele frequency attached by ClinVar (database versions not stated): gnomAD 0.00001.
gnomAD v4.1: 5 of 1,613,972 alleles (0.00031%); highest among the groups gnomAD compares: African/African-American, 0.0013%; no homozygotes.

Submissions (2):

Ambry Genetics
Classification: Uncertain significance. Last evaluated: 2023-10-19. Review status: criteria provided, single submitter. Criteria: Ambry Variant Classification Scheme 2023. Collection method: clinical testing. Allele origin: germline.
Comment: The p.Y322C variant (also known as c.965A>G), located in coding exon 4 of the TMPO gene, results from an A to G substitution at nucleotide position 965. The tyrosine at codon 322 is replaced by cysteine, an amino acid with highly dissimilar properties. This amino acid position is conserved. In addition, this alteration is predicted to be tolerated by in silico analysis. Since supporting evidence is limited at this time, the clinical significance of this alteration remains unclear.

Labcorp Genetics (formerly Invitae), Labcorp
Classification: Uncertain significance for Loeys-Dietz syndrome 2. Last evaluated: 2020-03-03. Review status: criteria provided, single submitter. Criteria: Invitae Variant Classification Sherloc (09022015). Collection method: clinical testing. Allele origin: germline.
Comment: In summary, the available evidence is currently insufficient to determine the role of this variant in disease. Therefore, it has been classified as a Variant of Uncertain Significance. Algorithms developed to predict the effect of missense changes on protein structure and function output the following: SIFT: "Tolerated"; PolyPhen-2: "Benign"; Align-GVGD: "Class C0". The cysteine amino acid residue is found in multiple mammalian species, suggesting that this missense change does not adversely affect protein function. These predictions have not been confirmed by published functional studies and their clinical significance is uncertain. This variant has not been reported in the literature in individuals with TMPO-related conditions. This variant is present in population databases (rs766401550, ExAC 0.002%). This sequence change replaces tyrosine with cysteine at codon 322 of the TMPO protein (p.Tyr322Cys). The tyrosine residue is weakly conserved and there is a large physicochemical difference between tyrosine and cysteine.